The following is an entry in ClinVar:

NM_003482.4(KMT2D):c.9165T>C (p.Pro3055=)

Gene: KMT2D (lysine methyltransferase 2D; minus strand). Cytogenetic location: 12q13.12.
Variant type: single nucleotide variant.
Coding change: c.9165T>C on transcript NM_003482.4 (MANE Select); coding-DNA position 9165, T replaced by C.
Protein change: p.Pro3055=; no amino-acid change (proline 3055 retained).
Molecular consequence: synonymous variant.
Genome position (GRCh38, 1-based): chr12:49,038,191, A>G on the plus strand (T>C on the coding strand, the complement: KMT2D is on the minus strand). VCF-style: chr12-49038191-A-G. GRCh37 (hg19) VCF-style: chr12-49431974-A-G.
Identifiers: ClinVar variation 735972 (VCV000735972.11), dbSNP rs751957535, ClinGen allele CA6546738.

ClinVar aggregate classification (germline): Likely benign. Review status: criteria provided, single submitter (1 of 4 stars). 2 submissions from 2 submitters: Likely benign (1). 1 of the submissions does not count toward it. Last evaluated 2026-01-08.

Conditions:
KMT2D-related disorder. Also called: KMT2D-Related Disorders.
Kabuki syndrome. Also called: NIIKAWA-KUROKI SYNDROME; Kabuki make-up syndrome. Identifiers: Orphanet 2322, MedGen C0796004, MONDO:0016512.

Allele frequency attached by ClinVar (database versions not stated): gnomAD exomes 0.00001 and 0.00002; ExAC 0.00002; gnomAD 0.00015 and 0.00016; TOPMed 0.00017.
gnomAD v4.1: 40 of 1,613,736 alleles (0.0025%); highest among the groups gnomAD compares: African/African-American, 0.051%; no homozygotes.

Submissions (2):

Labcorp Genetics (formerly Invitae), Labcorp
Classification: Likely benign for Kabuki syndrome. Last evaluated: 2026-01-08. Review status: criteria provided, single submitter. Criteria: Invitae Variant Classification Sherloc (09022015). Collection method: clinical testing. Allele origin: germline.

PreventionGenetics, part of Exact Sciences
Classification: Likely benign for KMT2D-related condition. Last evaluated: 2021-08-24. Review status: no assertion criteria provided. Collection method: clinical testing. Allele origin: germline. Not counted in ClinVar's aggregate classification.
Comment: This variant is classified as likely benign based on ACMG/AMP sequence variant interpretation guidelines (Richards et al. 2015 PMID: 25741868, with internal and published modifications).